The following is an entry in ClinVar:

ClinVar aggregate classification (germline): Uncertain significance (1 of 4 stars; one submission).

Submission:

Women's Health and Genetics/Laboratory Corporation of America, LabCorp
Classification: Uncertain significance. Last evaluated: 2025-07-22. Review status: criteria provided, single submitter. Criteria: LabCorp Variant Classification Summary - May 2015. Collection method: clinical testing. Allele origin: germline.
Comment: Variant summary: ERCC6 c.4397delT (p.Phe1466SerfsX5) results in a premature termination codon, predicted to cause a truncation of the encoded protein, however nonsense mediated decay is not predicted. The variant was absent in 251360 control chromosomes. The available data on variant occurrences in the general population are insufficient to allow any conclusion about variant significance. To our knowledge, no occurrence of c.4397delT in individuals affected with Cockayne Syndrome and no experimental evidence demonstrating its impact on protein function have been reported. No submitters have cited clinical-significance assessments for this variant to ClinVar. Based on the evidence outlined above, the variant was classified as uncertain significance.

NM_000124.4(ERCC6):c.4397del (p.Phe1466fs)

Gene: ERCC6 (ERCC excision repair 6, chromatin remodeling factor; minus strand). Cytogenetic location: 10q11.23.
Variant type: Deletion.
Coding change: c.4397del on transcript NM_000124.4 (MANE Select); coding-DNA position 4397, one base deleted (T; older notation c.4397delT).
Protein change: p.Phe1466fs; shifts the reading frame from phenylalanine 1466.
Molecular consequence: frameshift variant.
Genome position (GRCh38, 1-based): chr10:49,458,900, A deleted on the plus strand (T on the coding strand, the reverse complement: ERCC6 is on the minus strand); the first of 2 consecutive A bases (chr10:49,458,900-49,458,901); deleting either gives the same sequence. VCF-style (leftmost placement, unchanged base first): chr10-49458899-GA-G. GRCh37 (hg19) VCF-style: chr10-50666945-GA-G.
Other names: c.4397delT (NM_000124.4); c.4397del, p.Phe1466fs (NM_001346440.2); short protein forms F1466fs.
Identifiers: ClinVar variation 4525701 (VCV004525701.1).